The following is an entry in ClinVar:

NM_002474.3(MYH11):c.3728T>C (p.Leu1243Pro)

Gene: MYH11 (myosin heavy chain 11; minus strand). Cytogenetic location: 16p13.11.
Variant type: single nucleotide variant.
Coding change: c.3728T>C on transcript NM_002474.3 (MANE Select); coding-DNA position 3728, T replaced by C.
Protein change: p.Leu1243Pro; replaces leucine 1243 with proline.
Molecular consequence: missense variant.
Genome position (GRCh38, 1-based): chr16:15,726,978, A>G on the plus strand (T>C on the coding strand, the complement: MYH11 is on the minus strand). VCF-style: chr16-15726978-A-G. GRCh37 (hg19) VCF-style: chr16-15820835-A-G.
Other names: c.3749T>C, p.Leu1250Pro (NM_001040113.2, NM_001040114.2); c.3728T>C, p.Leu1243Pro (NM_022844.3); short protein forms L1243P, L1250P.
Identifiers: ClinVar variation 492839 (VCV000492839.20), dbSNP rs1555554139, ClinGen allele CA394860193.

ClinVar aggregate classification (germline): Conflicting classifications of pathogenicity. Review status: criteria provided, conflicting classifications (1 of 4 stars). 6 submissions from 6 submitters: Pathogenic (1); Likely pathogenic (2); Uncertain significance (2). 1 of the submissions does not count toward it. Last evaluated 2026-03-02.

Conditions:
Pulmonic stenosis. Also called: Pulmonic stenosis (disease). Identifiers: Orphanet 3189, MedGen C1956257, MONDO:0009938, OMIM 265500, HP:0001642.
Familial thoracic aortic aneurysm and aortic dissection (TAAD). Also called: Thoracic aortic aneurysms and dissections. Identifiers: Orphanet 91387, MedGen C4707243, MONDO:0019625.
Aortic aneurysm, familial thoracic 4 (AAT4). Also called: AORTIC ANEURYSM/AORTIC DISSECTION AND PATENT DUCTUS ARTERIOSUS. Identifiers: MedGen C1851504, MONDO:0007568, OMIM 132900.

Submissions (6):

Ambry Genetics
Classification: Likely pathogenic for Familial thoracic aortic aneurysm and aortic dissection. Last evaluated: 2026-03-02. Review status: criteria provided, single submitter. Criteria: Ambry Variant Classification Scheme 2023. Collection method: clinical testing. Allele origin: germline.
Comment: The p.L1243P variant (also known as c.3728T>C), located in coding exon 27 of the MYH11 gene, results from a T to C substitution at nucleotide position 3728. The leucine at codon 1243 is replaced by proline, an amino acid with similar properties. This variant was reported in individual(s) with features consistent with MYH11-related thoracic aortic aneurysm and dissection; in at least one individual, it was determined to be de novo (Li J et al. Mol Genet Genomic Med, 2021 Oct;9:e1800; Pan M et al. Forensic Sci Med Pathol, 2024 Mar;20:212-218; Ambry internal data). This amino acid position is highly conserved in available vertebrate species. In addition, this alteration is predicted to be deleterious by in silico analysis. This variant is considered to be rare based on population cohorts in the Genome Aggregation Database (gnomAD). Based on the majority of available evidence to date, this variant is likely to be pathogenic for MYH11-related thoracic aortic aneurysm and dissection (TAAD); however, its clinical significance for MYH11-related megacystis-microcolon-intestinal hypoperistalsis syndrome is uncertain.

Labcorp Genetics (formerly Invitae), Labcorp
Classification: Pathogenic for Aortic aneurysm, familial thoracic 4. Last evaluated: 2025-07-07. Review status: criteria provided, single submitter. Criteria: Invitae Variant Classification Sherloc (09022015). Collection method: clinical testing. Allele origin: germline.
Comment: This sequence change replaces leucine, which is neutral and non-polar, with proline, which is neutral and non-polar, at codon 1250 of the MYH11 protein (p.Leu1250Pro). This variant is not present in population databases (gnomAD no frequency). This missense change has been observed in individual(s) with thoracic aortic aneurysm and/or dissection (PMID: 34498425, 37306888; internal data). In at least one individual the variant was observed to be de novo. This variant is also known as c. T3728C, p. L1243P. ClinVar contains an entry for this variant (Variation ID: 492839). Invitae Evidence Modeling of protein sequence and biophysical properties (such as structural, functional, and spatial information, amino acid conservation, physicochemical variation, residue mobility, and thermodynamic stability) has been performed for this missense variant. However, the output from this modeling did not meet the statistical confidence thresholds required to predict the impact of this variant on MYH11 protein function. For these reasons, this variant has been classified as Pathogenic.

MVZ Medizinische Genetik Mainz
Classification: Likely pathogenic for Aortic aneurysm, familial thoracic 4. Last evaluated: 2024-08-16. Review status: criteria provided, single submitter. Criteria: UK Practice Guidelines For Variant Classification V4 01 2020. Collection method: clinical testing. Allele origin: germline. Inheritance: Autosomal dominant inheritance. Affected: yes. Observed: 1 variant allele.
Comment: ACMG Criteria: PS4_MOD,PM1,PP3_MOD,PM2_SUP,PM6_SUP

Color Diagnostics, LLC DBA Color Health
Classification: Uncertain significance for Familial thoracic aortic aneurysm and aortic dissection. Last evaluated: 2023-12-05. Review status: criteria provided, single submitter. Criteria: ACMG Guidelines, 2015. Collection method: clinical testing. Allele origin: germline.
Comment: This missense variant replaces leucine with proline at codon 1250 of the MYH11 protein. Computational prediction tools and conservation analyses suggest that this variant may have deleterious impact on the protein function. Computational splicing tools suggest that this variant may not impact RNA splicing. To our knowledge, functional assays have not been performed for this variant nor has this variant been reported in individuals affected with cardiovascular disorders in the literature. This variant has not been identified in the general population by the Genome Aggregation Database (gnomAD). Available evidence is insufficient to determine the role of this variant in disease conclusively. Therefore, this variant is classified as a Variant of Uncertain Significance.

Centre of Medical Genetics, University Hospital Muenster
Classification: Uncertain significance for Aortic aneurysm, familial thoracic 4. Last evaluated: 2022-09-28. Review status: criteria provided, single submitter. Criteria: ACMG Guidelines, 2015. Collection method: clinical testing. Allele origin: unknown. Affected: yes. Observed: 1 variant allele, 1 heterozygote.
Comment: ACMG categories: PM2,PP3

Clinical Molecular Genetics Laboratory, Johns Hopkins All Children's Hospital
Classification: Uncertain significance for Pulmonic stenosis. Last evaluated: 2017-05-31. Review status: no assertion criteria provided. Collection method: clinical testing. Allele origin: germline. Affected: yes. Not counted in ClinVar's aggregate classification.

Literature cited by the submitters: PubMed 34498425 (cited by Ambry Genetics and Labcorp Genetics (formerly Invitae), Labcorp); PubMed 37306888 (cited by Ambry Genetics and Labcorp Genetics (formerly Invitae), Labcorp).